The following is an entry in ClinVar:

NM_001379500.1(COL18A1):c.1058G>A (p.Arg353Gln)

Gene: COL18A1 (collagen type XVIII alpha 1 chain; plus strand). Cytogenetic location: 21q22.3.
Variant type: single nucleotide variant.
Coding change: c.1058G>A on transcript NM_001379500.1 (MANE Select); coding-DNA position 1058, G replaced by A.
Protein change: p.Arg353Gln; replaces arginine 353 with glutamine.
Molecular consequence: missense variant.
Genome position (GRCh38, 1-based): chr21:45,477,802, G>A. VCF-style: chr21-45477802-G-A. GRCh37 (hg19) VCF-style: chr21-46897716-G-A.
Other names: NM_130445.2:c.1058G>A; c.1598G>A, p.Arg533Gln (NM_030582.4); c.2303G>A, p.Arg768Gln (NM_130444.3); short protein forms R353Q, R533Q, R768Q.
Identifiers: ClinVar variation 1493910 (VCV001493910.7), dbSNP rs373030953, ClinGen allele CA10066067.
Genomic context (GRCh38, chr21:45,477,802, plus strand): 5'-ATTCCCAGGGCGGCCTGAAGGGGCAGAAAGGGGAGCCAGGTGTTCCGGGCCCACCTGGCC[G>A]GGCAGGCCCCCCAGGATCCCCATGCCTACCTGGTCCCCCGGGTCTCCCGTGCCCAGTGAG-3'
Protein context (NP_001366429.1, residues 343-363): GEPGVPGPPG[Arg353Gln]AGPPGSPCLP

ClinVar aggregate classification (germline): Uncertain significance. Review status: criteria provided, multiple submitters, no conflicts (2 of 4 stars). 3 submissions from 3 submitters: Uncertain significance (3). Last evaluated 2025-09-24.

Conditions:
Hereditary glaucoma, primary closed-angle. Also called: Glaucoma, primary closed-angle. Identifiers: MedGen C5394374, MONDO:0030038, OMIM 618880.
Knobloch syndrome 1 (KNO1). Identifiers: MedGen C4551775, MONDO:0800167, OMIM 267750.
Inborn genetic diseases. Identifiers: MedGen C0950123, MeSH D030342.

Allele frequency attached by ClinVar (database versions not stated): gnomAD 0.00004; TOPMed 0.00004; ExAC 0.00006; gnomAD exomes 0.00007; ESP Exome Variant Server 0.00009.
gnomAD v4.1: 116 of 1,549,332 alleles (0.0075%); highest among the groups gnomAD compares: Admixed American, 0.016%; no homozygotes.

Submissions (3):

Labcorp Genetics (formerly Invitae), Labcorp
Classification: Uncertain significance. Last evaluated: 2025-09-24. Review status: criteria provided, single submitter. Criteria: Invitae Variant Classification Sherloc (09022015). Collection method: clinical testing. Allele origin: germline.
Comment: This sequence change replaces arginine, which is basic and polar, with glutamine, which is neutral and polar, at codon 353 of the COL18A1 protein (p.Arg353Gln). This variant is present in population databases (rs373030953, gnomAD 0.02%). This variant has not been reported in the literature in individuals affected with COL18A1-related conditions. ClinVar contains an entry for this variant (Variation ID: 1493910). Experimental studies and prediction algorithms are not available or were not evaluated, and the functional significance of this variant is currently unknown. In summary, the available evidence is currently insufficient to determine the role of this variant in disease. Therefore, it has been classified as a Variant of Uncertain Significance.

Ambry Genetics
Classification: Uncertain significance for Inborn genetic diseases. Last evaluated: 2023-08-20. Review status: criteria provided, single submitter. Criteria: Ambry Variant Classification Scheme 2023. Collection method: clinical testing. Allele origin: germline.

Fulgent Genetics
Classification: Uncertain significance for Knobloch syndrome 1; Hereditary glaucoma, primary closed-angle. Last evaluated: 2021-09-10. Review status: criteria provided, single submitter. Criteria: ACMG Guidelines, 2015. Collection method: clinical testing. Allele origin: unknown.